The following is an entry in ClinVar:

NM_001378454.1(ALMS1):c.3181C>T (p.Pro1061Ser)

Gene: ALMS1 (ALMS1 centrosome and basal body associated protein; plus strand). Cytogenetic location: 2p13.1.
Variant type: single nucleotide variant.
Coding change: c.3181C>T on transcript NM_001378454.1 (MANE Select); coding-DNA position 3181, C replaced by T.
Protein change: p.Pro1061Ser; replaces proline 1061 with serine.
Molecular consequence: missense variant.
Genome position (GRCh38, 1-based): chr2:73,449,708, C>T. VCF-style: chr2-73449708-C-T. GRCh37 (hg19) VCF-style: chr2-73676835-C-T.
Other names: c.3184C>T, p.Pro1062Ser (NM_015120.4); short protein forms P1061S, P1062S.
Identifiers: ClinVar variation 1357572 (VCV001357572.6), dbSNP rs754651123, ClinGen allele CA1713478.
Genomic context (GRCh38, chr2:73,449,708, plus strand): 5'-GAGATACCAGCAGTACAGTCTAGTTCTTACCCACAGAGGGAGAAGCCTAGTGTTTTGTAC[C>T]CACAGGTGTTATCAGACAGTCATCTACCTGAAGAGAGTCTGAAAGTTTCAGCCTTCCCTG-3'
Protein context (NP_001365383.1, residues 1051-1071): PQREKPSVLY[Pro1061Ser]QVLSDSHLPE

ClinVar aggregate classification (germline): Uncertain significance (1 of 4 stars; one submission).

Conditions:
Alstrom syndrome (ALMS). Identifiers: Orphanet 64, MedGen C0268425, MONDO:0008763, OMIM 203800.

Allele frequency attached by ClinVar (database versions not stated): gnomAD exomes below 0.00001; ExAC 0.00001.
gnomAD v4.1: 1 of 1,614,038 alleles (0.000062%); highest among the groups gnomAD compares: Non-Finnish European, 0.000085%; no homozygotes.

Submission:

Labcorp Genetics (formerly Invitae), Labcorp
Classification: Uncertain significance for Alstrom syndrome. Last evaluated: 2021-05-31. Review status: criteria provided, single submitter. Criteria: Invitae Variant Classification Sherloc (09022015). Collection method: clinical testing. Allele origin: germline.
Comment: This variant is present in population databases (rs754651123, ExAC 0.001%). In summary, the available evidence is currently insufficient to determine the role of this variant in disease. Therefore, it has been classified as a Variant of Uncertain Significance. Experimental studies and prediction algorithms are not available or were not evaluated, and the functional significance of this variant is currently unknown. This variant has not been reported in the literature in individuals with ALMS1-related conditions. This sequence change replaces proline with serine at codon 1062 of the ALMS1 protein (p.Pro1062Ser). The proline residue is weakly conserved and there is a moderate physicochemical difference between proline and serine.